The following is an entry in ClinVar:

NM_000553.6(WRN):c.802C>A (p.Leu268Ile)

Gene: WRN (WRN RecQ like helicase; plus strand). Cytogenetic location: 8p12.
Variant type: single nucleotide variant.
Coding change: c.802C>A on transcript NM_000553.6 (MANE Select); coding-DNA position 802, C replaced by A.
Protein change: p.Leu268Ile; replaces leucine 268 with isoleucine.
Molecular consequence: missense variant.
Genome position (GRCh38, 1-based): chr8:31,076,250, C>A. VCF-style: chr8-31076250-C-A. GRCh37 (hg19) VCF-style: chr8-30933766-C-A.
Other names: short protein forms L268I.
Identifiers: ClinVar variation 3014582 (VCV003014582.3), dbSNP rs1813089453, ClinGen allele CA370918589.

ClinVar aggregate classification (germline): Uncertain significance (1 of 4 stars; one submission).

Conditions:
Werner syndrome (WRN). Identifiers: Orphanet 902, MedGen C0043119, MONDO:0010196, OMIM 277700.

Allele frequency attached by ClinVar (database versions not stated): TOPMed below 0.00001.

Submission:

Labcorp Genetics (formerly Invitae), Labcorp
Classification: Uncertain significance for Werner syndrome. Last evaluated: 2023-04-27. Review status: criteria provided, single submitter. Criteria: Invitae Variant Classification Sherloc (09022015). Collection method: clinical testing. Allele origin: germline.
Comment: In summary, the available evidence is currently insufficient to determine the role of this variant in disease. Therefore, it has been classified as a Variant of Uncertain Significance. An algorithm developed to predict the effect of missense changes on protein structure and function (PolyPhen-2) suggests that this variant is likely to be tolerated. This variant has not been reported in the literature in individuals affected with WRN-related conditions. This variant is not present in population databases (gnomAD no frequency). This sequence change replaces leucine, which is neutral and non-polar, with isoleucine, which is neutral and non-polar, at codon 268 of the WRN protein (p.Leu268Ile).